The following is an entry in ClinVar:

ClinVar aggregate classification (germline): Conflicting classifications of pathogenicity. Review status: criteria provided, conflicting classifications (1 of 4 stars). 3 submissions from 2 submitters: Uncertain significance (2); Likely benign (1). Last evaluated 2026-06-01.

Conditions:
Waardenburg syndrome. Also called: Waardenburg's syndrome. Identifiers: Orphanet 3440, MedGen C3266898, MONDO:0018094.
PCWH syndrome. Also called: WAARDENBURG-SHAH SYNDROME, NEUROLOGIC VARIANT. Identifiers: Orphanet 163746, MedGen C1836727, MONDO:0012198, OMIM 609136.

Allele frequency attached by ClinVar (database versions not stated): 1000 Genomes Project 0.00020; 1000 Genomes Project 30x 0.00031; gnomAD 0.00058 and 0.00059; TOPMed 0.00062.

Submissions (3):

CeGaT Center for Human Genetics Tuebingen
Classification: Likely benign. Last evaluated: 2026-06-01. Review status: criteria provided, single submitter. Criteria: CeGaT Center For Human Genetics Tuebingen Variant Classification Criteria Version 2. Collection method: clinical testing. Allele origin: germline. Affected: yes. Observed: 3 variant alleles.
Comment: SOX10: BP4, BP7

Illumina Laboratory Services, Illumina
Classification: Uncertain significance for PCWH syndrome. Last evaluated: 2018-01-13. Review status: criteria provided, single submitter. Criteria: ICSL Variant Classification Criteria 13 December 2019. Collection method: clinical testing. Allele origin: germline.

Illumina Laboratory Services, Illumina
Classification: Uncertain significance for Waardenburg syndrome. Last evaluated: 2018-01-13. Review status: criteria provided, single submitter. Criteria: ICSL Variant Classification Criteria 13 December 2019. Collection method: clinical testing. Allele origin: germline.

NM_006941.4(SOX10):c.-166C>T

Genes: POLR2F (RNA polymerase II, I and III subunit F; plus strand), SOX10 (SRY-box transcription factor 10; minus strand). Cytogenetic location: 22q13.1.
Variant type: single nucleotide variant.
Coding change: c.-166C>T on transcript NM_006941.4 (MANE Select); 166 bases upstream of the start codon, C replaced by T.
Molecular consequence: 5 prime UTR variant. On other transcripts: intron variant (3).
Genome position (GRCh38, 1-based): chr22:37,984,420, G>A on the plus strand (C>T on the coding strand, the complement: SOX10 is on the minus strand). VCF-style: chr22-37984420-G-A. GRCh37 (hg19) VCF-style: chr22-38380427-G-A.
Other names: c.*38+12110G>A (NM_001363825.1); c.294-1734G>A (NM_001301130.2); c.293+17250G>A (NM_001301131.2).
Identifiers: ClinVar variation 899754 (VCV000899754.19), dbSNP rs548479592, ClinGen allele CA324166956.